The following is an entry in ClinVar:

NM_005647.4(TBL1X):c.1368G>C (p.Glu456Asp)

Gene: TBL1X (transducin beta like 1 X-linked; plus strand). Cytogenetic location: Xp22.2.
Variant type: single nucleotide variant.
Coding change: c.1368G>C on transcript NM_005647.4 (MANE Select); coding-DNA position 1368, G replaced by C.
Protein change: p.Glu456Asp; replaces glutamic acid 456 with aspartic acid.
Molecular consequence: missense variant.
Genome position (GRCh38, 1-based): chrX:9,709,689, G>C. VCF-style: chrX-9709689-G-C. GRCh37 (hg19) VCF-style: chrX-9677729-G-C.
Other names: c.1368G>C, p.Glu456Asp (NM_001139466.1); c.1215G>C, p.Glu405Asp (NM_001139467.1, NM_001139468.1); short protein forms E405D, E456D.
Identifiers: ClinVar variation 5016856 (VCV005016856.1).

ClinVar aggregate classification (germline): Uncertain significance (1 of 4 stars; one submission).

Submission:

GeneDx
Classification: Uncertain significance. Last evaluated: 2026-04-05. Review status: criteria provided, single submitter. Criteria: GeneDx Variant Classification Process June 2021. Collection method: clinical testing. Allele origin: germline.
Comment: Not observed at significant frequency in large population cohorts (gnomAD); In silico analysis suggests that this missense variant does not alter protein structure/function; Has not been previously published as pathogenic or benign to our knowledge